The following is an entry in ClinVar:

NM_025137.4(SPG11):c.6965T>C (p.Met2322Thr)

Gene: SPG11 (SPG11 vesicle trafficking associated, spatacsin; minus strand). Cytogenetic location: 15q21.1.
Variant type: single nucleotide variant.
Coding change: c.6965T>C on transcript NM_025137.4 (MANE Select); coding-DNA position 6965, T replaced by C.
Protein change: p.Met2322Thr; replaces methionine 2322 with threonine.
Molecular consequence: missense variant.
Genome position (GRCh38, 1-based): chr15:44,565,888, A>G on the plus strand (T>C on the coding strand, the complement: SPG11 is on the minus strand). VCF-style: chr15-44565888-A-G. GRCh37 (hg19) VCF-style: chr15-44858086-A-G.
Other names: c.6626T>C, p.Met2209Thr (NM_001160227.2); short protein forms M2209T, M2322T.
Identifiers: ClinVar variation 1516199 (VCV001516199.7), dbSNP rs2082297271, ClinGen allele CA392213092.

ClinVar aggregate classification (germline): Uncertain significance. Review status: criteria provided, multiple submitters, no conflicts (2 of 4 stars). 2 submissions from 2 submitters: Uncertain significance (2). Last evaluated 2025-08-27.

Conditions:
Hereditary spastic paraplegia 11. Also called: Spastic paraplegia, mental retardation and thin corpus callosum; SPASTIC PARAPLEGIA, AUTOSOMAL RECESSIVE, COMPLICATED, WITH THIN CORPUS CALLOSUM; SPASTIC PARAPLEGIA, AUTOSOMAL RECESSIVE, WITH MENTAL IMPAIRMENT AND THIN CORPUS CALLOSUM; Spastic Paraplegia 11; Nakamura Osame syndrome; Autosomal recessive hereditary spastic paraplegia, mental impairment, and thin corpus callosum. Identifiers: Orphanet 2822, MedGen C1858479, MONDO:0011445, OMIM 604360.

Allele frequency attached by ClinVar (database versions not stated): gnomAD exomes below 0.00001; TOPMed below 0.00001.
gnomAD v4.1: 1 of 1,614,108 alleles (0.000062%); highest among the groups gnomAD compares: Non-Finnish European, 0.000085%; no homozygotes.

Submissions (2):

Dasa
Classification: Uncertain significance. Last evaluated: 2025-08-27. Review status: criteria provided, single submitter. Criteria: DASA Assertion Criteria. Collection method: clinical testing. Allele origin: germline.
Comment: NM_025137.4(SPG11):c.6965T>C (p.Met2322Thr) is a missense variant that results in the substitution of methionine with threonine. This variant is rare in population databases. Computational prediction algorithms are consistent with a benign effect. The currently available literature and clinical evidence are not sufficient to establish a definitive association between this variant and the reported condition. Therefore, this variant is classified as a variant of uncertain significance.

Labcorp Genetics (formerly Invitae), Labcorp
Classification: Uncertain significance for Hereditary spastic paraplegia 11. Last evaluated: 2021-08-14. Review status: criteria provided, single submitter. Criteria: Invitae Variant Classification Sherloc (09022015). Collection method: clinical testing. Allele origin: germline.
Comment: This sequence change replaces methionine with threonine at codon 2322 of the SPG11 protein (p.Met2322Thr). The methionine residue is moderately conserved and there is a moderate physicochemical difference between methionine and threonine. This variant is not present in population databases (ExAC no frequency). This variant has not been reported in the literature in individuals affected with SPG11-related conditions. Algorithms developed to predict the effect of missense changes on protein structure and function output the following: SIFT: "Tolerated"; PolyPhen-2: "Benign"; Align-GVGD: "Class C0". The threonine amino acid residue is found in multiple mammalian species, which suggests that this missense change does not adversely affect protein function. In summary, the available evidence is currently insufficient to determine the role of this variant in disease. Therefore, it has been classified as a Variant of Uncertain Significance.